The following is an entry in ClinVar:

ClinVar aggregate classification (germline): Likely benign (1 of 4 stars; one submission).

Submission:

GeneDx
Classification: Likely benign. Last evaluated: 2017-10-30. Review status: criteria provided, single submitter. Criteria: GeneDx Variant Classification (06012015). Collection method: clinical testing. Allele origin: germline. Affected: yes.
Comment: This variant is considered likely benign or benign based on one or more of the following criteria: it is a conservative change, it occurs at a poorly conserved position in the protein, it is predicted to be benign by multiple in silico algorithms, and/or has population frequency not consistent with disease.

NM_053025.4(MYLK):c.-126-19C>G

Gene: MYLK (myosin light chain kinase; minus strand). Cytogenetic location: 3q21.1.
Variant type: single nucleotide variant.
Coding change: c.-126-19C>G on transcript NM_053025.4 (MANE Select); 19 bases into the intron before 126 bases upstream of the start codon, C replaced by G.
Molecular consequence: intron variant.
Genome position (GRCh38, 1-based): chr3:123,831,689, G>C on the plus strand (C>G on the coding strand, the complement: MYLK is on the minus strand). VCF-style: chr3-123831689-G-C. GRCh37 (hg19) VCF-style: chr3-123550536-G-C.
Other names: c.-446-19C>G (NM_001321309.2); c.-126-19C>G (NM_053028.4, NM_053026.4, NM_053027.4).
Identifiers: ClinVar variation 513109 (VCV000513109.1), dbSNP rs1553860788, ClinGen allele CA658796366.
Genomic context (GRCh38, chr3:123,831,689, plus strand): 5'-CTGAAGTTGCTCTGAACTGCAGCAGAGGCAGCCGGGAGCCACCTGGGTGGGTGGGAAGGA[G>C]GAAAGGAAAGCCAAATCAGAGACAGACACGCAAAAGGGATGTGGGAGCGGCTGGGAGGAG-3'